The following is an entry in ClinVar:

ClinVar aggregate classification (germline): Uncertain significance. Review status: criteria provided, multiple submitters, no conflicts (2 of 4 stars). 2 submissions from 2 submitters: Uncertain significance (2). Last evaluated 2022-12-07.

Conditions:
Autosomal recessive limb-girdle muscular dystrophy type R18 (LGMDR18). Also called: Autosomal recessive limb-girdle muscular dystrophy type 2S; Limb-girdle muscular dystrophy, type 2S; MUSCULAR DYSTROPHY, LIMB-GIRDLE, AUTOSOMAL RECESSIVE 18. Identifiers: Orphanet 369840, MedGen C4517996, MONDO:0014144, OMIM 615356.

Allele frequency attached by ClinVar (database versions not stated): gnomAD exomes below 0.00001.
gnomAD v4.1: 4 of 1,613,078 alleles (0.00025%); highest among the groups gnomAD compares: Non-Finnish European, 0.00034%; no homozygotes.

Submissions (2):

Labcorp Genetics (formerly Invitae), Labcorp
Classification: Uncertain significance for Autosomal recessive limb-girdle muscular dystrophy type R18. Last evaluated: 2022-12-07. Review status: criteria provided, single submitter. Criteria: Invitae Variant Classification Sherloc (09022015). Collection method: clinical testing. Allele origin: germline.
Comment: Advanced modeling of protein sequence and biophysical properties (such as structural, functional, and spatial information, amino acid conservation, physicochemical variation, residue mobility, and thermodynamic stability) performed at Invitae indicates that this missense variant is expected to disrupt TRAPPC11 protein function. In summary, the available evidence is currently insufficient to determine the role of this variant in disease. Therefore, it has been classified as a Variant of Uncertain Significance. ClinVar contains an entry for this variant (Variation ID: 1034690). This sequence change replaces lysine, which is basic and polar, with glutamic acid, which is acidic and polar, at codon 64 of the TRAPPC11 protein (p.Lys64Glu). This variant is not present in population databases (gnomAD no frequency). This variant has not been reported in the literature in individuals affected with TRAPPC11-related conditions.

Revvity Omics, Revvity
Classification: Uncertain significance for Autosomal recessive limb-girdle muscular dystrophy type R18. Last evaluated: 2022-05-05. Review status: criteria provided, single submitter. Criteria: ACMG Guidelines, 2015. Collection method: clinical testing. Allele origin: germline.

NM_021942.6(TRAPPC11):c.190A>G (p.Lys64Glu)

Gene: TRAPPC11 (trafficking protein particle complex subunit 11; plus strand). Cytogenetic location: 4q35.1.
Variant type: single nucleotide variant.
Coding change: c.190A>G on transcript NM_021942.6 (MANE Select); coding-DNA position 190, A replaced by G.
Protein change: p.Lys64Glu; replaces lysine 64 with glutamic acid.
Molecular consequence: missense variant.
Genome position (GRCh38, 1-based): chr4:183,664,057, A>G. VCF-style: chr4-183664057-A-G. GRCh37 (hg19) VCF-style: chr4-184585210-A-G.
Other names: c.190A>G, p.Lys64Glu (NM_199053.3); short protein forms K64E.
Identifiers: ClinVar variation 1034690 (VCV001034690.11), dbSNP rs1734713616, ClinGen allele CA358858632.